The following is an entry in ClinVar:

ClinVar aggregate classification (germline): Uncertain significance (1 of 4 stars; one submission).

Conditions:
Primary familial hypertrophic cardiomyopathy (HCM). Identifiers: Orphanet 99739, MedGen C0949658, MeSH D024741, MONDO:0024573. Inheritance: Various modes of inheritance.

gnomAD v4.1: 3 of 1,614,220 alleles (0.00019%); highest among the groups gnomAD compares: South Asian, 0.0011%; no homozygotes.

Submission:

Labcorp Genetics (formerly Invitae), Labcorp
Classification: Uncertain significance for Primary familial hypertrophic cardiomyopathy. Last evaluated: 2024-05-16. Review status: criteria provided, single submitter. Criteria: Invitae Variant Classification Sherloc (09022015). Collection method: clinical testing. Allele origin: germline.
Comment: This sequence change creates a premature translational stop signal (p.Cys346*) in the ILK gene. It is expected to result in an absent or disrupted protein product. However, the current clinical and genetic evidence is not sufficient to establish whether loss-of-function variants in ILK cause disease. This variant is not present in population databases (gnomAD no frequency). This variant has not been reported in the literature in individuals affected with ILK-related conditions. In summary, the available evidence is currently insufficient to determine the role of this variant in disease. Therefore, it has been classified as a Variant of Uncertain Significance.

NM_004517.4(ILK):c.1038T>A (p.Cys346Ter)

Genes: ILK (integrin linked kinase; plus strand), TAF10 (TATA-box binding protein associated factor 10; minus strand). Cytogenetic location: 11p15.4.
Variant type: single nucleotide variant.
Coding change: c.1038T>A on transcript NM_004517.4 (MANE Select); coding-DNA position 1038, T replaced by A.
Protein change: p.Cys346Ter; replaces cysteine 346 with a stop codon.
Molecular consequence: nonsense. On other transcripts: 3 prime UTR variant (1).
Genome position (GRCh38, 1-based): chr11:6,609,995, T>A. VCF-style: chr11-6609995-T-A. GRCh37 (hg19) VCF-style: chr11-6631226-T-A.
Other names: c.1038T>A, p.Cys346Ter (NM_001014794.3, NM_001014795.3); c.855T>A, p.Cys285Ter (NM_001278441.2); c.636T>A, p.Cys212Ter (NM_001278442.2); c.*927A>T (NM_006284.4); short protein forms C212*, C285*, C346*.
Identifiers: ClinVar variation 3620540 (VCV003620540.2).